The following is an entry in ClinVar:

NM_007194.4(CHEK2):c.664del (p.Met222fs)

Gene: CHEK2 (checkpoint kinase 2; minus strand). Cytogenetic location: 22q12.1.
Variant type: Deletion.
Coding change: c.664del on transcript NM_007194.4 (MANE Select); coding-DNA position 664, one base deleted (A; older notation c.664delA).
Protein change: p.Met222fs; shifts the reading frame from methionine 222.
Molecular consequence: frameshift variant. On other transcripts: initiator codon variant (2), intron variant (1).
Genome position (GRCh38, 1-based): chr22:28,719,414, T deleted on the plus strand (A on the coding strand, the reverse complement: CHEK2 is on the minus strand). VCF-style (leftmost placement, unchanged base first): chr22-28719413-AT-A. GRCh37 (hg19) VCF-style: chr22-29115401-AT-A.
Other names: c.793del, p.Met265fs (NM_001005735.3, NM_001438294.1); c.1del, p.Met1fs (NM_001257387.3, NM_001437942.1); c.757del, p.Met253fs (NM_001438293.1, NM_001438295.1); c.664del, p.Met222fs (NM_145862.3); c.482+5472del (NM_001349956.3); short protein forms M1fs, M222fs, M265fs, M253fs.
Identifiers: ClinVar variation 1068846 (VCV001068846.8), dbSNP rs2146005256, ClinGen allele CA2499226090.

ClinVar aggregate classification (germline): Pathogenic (1 of 4 stars; one submission).

Conditions:
Familial cancer of breast. Also called: hereditary breast carcinoma; BREAST CANCER, FAMILIAL; Hereditary breast cancer. Identifiers: Orphanet 227535, MedGen C0346153, MONDO:0016419, OMIM 114480. Disease mechanism: loss of function.

Submission:

Labcorp Genetics (formerly Invitae), Labcorp
Classification: Pathogenic for Familial cancer of breast. Last evaluated: 2020-06-07. Review status: criteria provided, single submitter. Criteria: Invitae Variant Classification Sherloc (09022015). Collection method: clinical testing. Allele origin: germline.
Comment: This sequence change creates a premature translational stop signal (p.Met222Cysfs*13) in the CHEK2 gene. It is expected to result in an absent or disrupted protein product. This variant is not present in population databases (ExAC no frequency). This variant has not been reported in the literature in individuals with CHEK2-related conditions. Loss-of-function variants in CHEK2 are known to be pathogenic (PMID: 21876083, 24713400). For these reasons, this variant has been classified as Pathogenic.

Literature cited by the submitters: PubMed 21876083; PubMed 24713400.